The following is an entry in ClinVar:

ClinVar aggregate classification (germline): Uncertain significance. Review status: criteria provided, multiple submitters, no conflicts (2 of 4 stars). 2 submissions from 2 submitters: Uncertain significance (2). Last evaluated 2024-10-23.

Allele frequency attached by ClinVar (database versions not stated): TOPMed 0.00001; gnomAD 0.00003; ESP Exome Variant Server 0.00008; 1000 Genomes Project 30x 0.00047; gnomAD exomes 0.00003; ExAC 0.00005; 1000 Genomes Project 0.00040.
gnomAD v4.1: 53 of 1,614,028 alleles (0.0033%); highest among the groups gnomAD compares: South Asian, 0.0099%; no homozygotes.

Submissions (2):

Labcorp Genetics (formerly Invitae), Labcorp
Classification: Uncertain significance. Last evaluated: 2024-10-23. Review status: criteria provided, single submitter. Criteria: Invitae Variant Classification Sherloc (09022015). Collection method: clinical testing. Allele origin: germline.
Comment: This sequence change replaces valine, which is neutral and non-polar, with methionine, which is neutral and non-polar, at codon 286 of the CRAT protein (p.Val286Met). This variant is present in population databases (rs148136870, gnomAD 0.02%). This variant has not been reported in the literature in individuals affected with CRAT-related conditions. ClinVar contains an entry for this variant (Variation ID: 2055608). Invitae Evidence Modeling of protein sequence and biophysical properties (such as structural, functional, and spatial information, amino acid conservation, physicochemical variation, residue mobility, and thermodynamic stability) indicates that this missense variant is not expected to disrupt CRAT protein function with a negative predictive value of 80%. In summary, the available evidence is currently insufficient to determine the role of this variant in disease. Therefore, it has been classified as a Variant of Uncertain Significance.

Ambry Genetics
Classification: Uncertain significance. Last evaluated: 2023-12-20. Review status: criteria provided, single submitter. Criteria: Ambry Variant Classification Scheme 2023. Collection method: clinical testing. Allele origin: germline.

NM_000755.5(CRAT):c.856G>A (p.Val286Met)

Gene: CRAT (carnitine O-acetyltransferase; minus strand). Cytogenetic location: 9q34.11.
Variant type: single nucleotide variant.
Coding change: c.856G>A on transcript NM_000755.5 (MANE Select); coding-DNA position 856, G replaced by A.
Protein change: p.Val286Met; replaces valine 286 with methionine.
Molecular consequence: missense variant.
Genome position (GRCh38, 1-based): chr9:129,100,639, C>T on the plus strand (G>A on the coding strand, the complement: CRAT is on the minus strand). VCF-style: chr9-129100639-C-T. GRCh37 (hg19) VCF-style: chr9-131862918-C-T.
Other names: c.793G>A, p.Val265Met (NM_001257363.3, NM_001346548.2, NM_004003.4); c.859G>A, p.Val287Met (NM_001346546.2); c.856G>A, p.Val286Met (NM_001346547.2); c.736G>A, p.Val246Met (NM_001346549.2); c.856G>A (NM_000755.3); short protein forms V265M, V286M, V246M, V287M.
Identifiers: ClinVar variation 2055608 (VCV002055608.5), dbSNP rs148136870, ClinGen allele CA5275589.